The following is an entry in ClinVar:

ClinVar aggregate classification (germline): Uncertain significance (1 of 4 stars; one submission).

Conditions:
Cardiovascular phenotype. Identifiers: MedGen CN230736.
Hereditary cancer-predisposing syndrome. Also called: Neoplastic Syndromes, Hereditary; Tumor predisposition; Hereditary Cancer Syndrome; Hereditary neoplastic syndrome. Identifiers: Orphanet 140162, MedGen C0027672, MeSH D009386, MONDO:0015356.

Submission:

Ambry Genetics
Classification: Uncertain significance for Cardiovascular phenotype; Hereditary cancer-predisposing syndrome. Last evaluated: 2021-02-05. Review status: criteria provided, single submitter. Criteria: Ambry Variant Classification Scheme 2023. Collection method: clinical testing. Allele origin: germline.
Comment: The p.E230Q variant (also known as c.688G>C), located in coding exon 7 of the NF1 gene, results from a G to C substitution at nucleotide position 688. The glutamic acid at codon 230 is replaced by glutamine, an amino acid with highly similar properties. This amino acid position is highly conserved in available vertebrate species. In addition, this alteration is predicted to be deleterious by in silico analysis. Since supporting evidence is limited at this time, the clinical significance of this alteration remains unclear.

NM_001042492.3(NF1):c.688G>C (p.Glu230Gln)

Gene: NF1 (neurofibromin 1; plus strand). Cytogenetic location: 17q11.2.
Variant type: single nucleotide variant.
Coding change: c.688G>C on transcript NM_001042492.3 (MANE Select); coding-DNA position 688, G replaced by C.
Protein change: p.Glu230Gln; replaces glutamic acid 230 with glutamine.
Molecular consequence: missense variant.
Genome position (GRCh38, 1-based): chr17:31,181,743, G>C. VCF-style: chr17-31181743-G-C. GRCh37 (hg19) VCF-style: chr17-29508761-G-C.
Other names: c.688G>C, p.Glu230Gln (NM_000267.4, NM_001128147.3); short protein forms E230Q.
Identifiers: ClinVar variation 1755996 (VCV001755996.2), dbSNP rs2066138676, ClinGen allele CA398989937.